The following is an entry in ClinVar:

NC_000023.10:g.(?_64135686)_(64141869_64196204)dup

Gene: ZC4H2 (zinc finger C4H2-type containing; minus strand). Cytogenetic location: Xq11.2.
Variant type: Duplication.
Identifiers: ClinVar variation 3336135 (VCV003336135.1).

ClinVar aggregate classification (germline): Uncertain significance (1 of 4 stars; one submission).

Submission:

Women's Health and Genetics/Laboratory Corporation of America, LabCorp
Classification: Uncertain significance. Last evaluated: 2024-05-06. Review status: criteria provided, single submitter. Criteria: LabCorp Variant Classification Summary - May 2015. Collection method: clinical testing. Allele origin: germline.
Comment: Variant summary: The variant involves the duplication of exons 2-5 in the ZC4H2 gene. A presumed nomenclature of c.(53+1_54-1)_(*1977_?)dup has been designated for the purposes of this classification. The exact breakpoint at the 3' end of this variant is unknown, therefore this duplication may extend downstream of the annotated region of the gene. As it duplicates the termination codon, its effect on the encoded protein is unknown. A large duplication which encompasses exons 2-5 in the ZC4H2 gene (Size: ~61 kbp) was found at a frequency of 6.3e-05 in 15814 control chromosomes in the gnomAD database (Structural Variants v2.1 dataset). The available data on variant occurrences in the general population are insufficient to allow any conclusion about variant significance. To our knowledge, no occurrence of c.(53+1_54-1)_(*1977_?)dup in individuals affected with Wieacker-Wolff Syndrome and no experimental evidence demonstrating its impact on protein function have been reported. No submitters have cited clinical-significance assessments for this variant to ClinVar. Based on the evidence outlined above, the variant was classified as uncertain significance.